The following is an entry in ClinVar:

ClinVar aggregate classification (germline): Conflicting classifications of pathogenicity. Review status: criteria provided, conflicting classifications (1 of 4 stars). 2 submissions from 2 submitters: Uncertain significance (1); Likely benign (1). Last evaluated 2022-12-06.

Conditions:
Inborn genetic diseases. Identifiers: MedGen C0950123, MeSH D030342.

Allele frequency attached by ClinVar (database versions not stated): TOPMed 0.00002; gnomAD 0.00004; 1000 Genomes Project 0.00020; 1000 Genomes Project 30x 0.00031.
gnomAD v4.1: 34 of 1,612,240 alleles (0.0021%); highest among the groups gnomAD compares: African/African-American, 0.008%; no homozygotes.

Submissions (2):

Labcorp Genetics (formerly Invitae), Labcorp
Classification: Uncertain significance. Last evaluated: 2022-12-06. Review status: criteria provided, single submitter. Criteria: Invitae Variant Classification Sherloc (09022015). Collection method: clinical testing. Allele origin: germline.
Comment: ClinVar contains an entry for this variant (Variation ID: 840882). In summary, the available evidence is currently insufficient to determine the role of this variant in disease. Therefore, it has been classified as a Variant of Uncertain Significance. Advanced modeling of protein sequence and biophysical properties (such as structural, functional, and spatial information, amino acid conservation, physicochemical variation, residue mobility, and thermodynamic stability) performed at Invitae indicates that this missense variant is not expected to disrupt SLC25A12 protein function. This variant has not been reported in the literature in individuals affected with SLC25A12-related conditions. This variant is present in population databases (rs199596322, gnomAD 0.01%). This sequence change replaces arginine, which is basic and polar, with histidine, which is basic and polar, at codon 32 of the SLC25A12 protein (p.Arg32His).

Ambry Genetics
Classification: Likely benign for Inborn genetic diseases. Last evaluated: 2022-08-16. Review status: criteria provided, single submitter. Criteria: Ambry Variant Classification Scheme 2023. Collection method: clinical testing. Allele origin: germline.

NM_003705.5(SLC25A12):c.95G>A (p.Arg32His)

Gene: SLC25A12 (solute carrier family 25 member 12; minus strand). Cytogenetic location: 2q31.1.
Variant type: single nucleotide variant.
Coding change: c.95G>A on transcript NM_003705.5 (MANE Select); coding-DNA position 95, G replaced by A.
Protein change: p.Arg32His; replaces arginine 32 with histidine.
Molecular consequence: missense variant. On other transcripts: non-coding transcript variant (1).
Genome position (GRCh38, 1-based): chr2:171,868,795, C>T on the plus strand (G>A on the coding strand, the complement: SLC25A12 is on the minus strand). VCF-style: chr2-171868795-C-T. GRCh37 (hg19) VCF-style: chr2-172725305-C-T.
Other names: c.95G>A (NM_003705.3); short protein forms R32H.
Identifiers: ClinVar variation 840882 (VCV000840882.11), dbSNP rs199596322, ClinGen allele CA1966479.
Genomic context (GRCh38, chr2:171,868,795, plus strand): 5'-CTATTTGGATCATTATACAGTCCAAGATAGCGCTGAACAAAGTCTTCTGGGGTCATATAA[C>T]GCTCTCCATCAACCTCAGTACTGGCATACTAAAAAAATAAATAAATAATGCATACTGAAA-3'
Protein context (NP_003696.2, residues 22-42): QYASTEVDGE[Arg32His]YMTPEDFVQR